The following is an entry in ClinVar:

ClinVar aggregate classification (germline): Uncertain significance (1 of 4 stars; one submission).

Conditions:
Epilepsy, familial adult myoclonic, 5 (EPEO5). Also called: CORTICAL MYOCLONIC TREMOR WITH EPILEPSY, FAMILIAL, 5. Identifiers: Orphanet 86814, MedGen C3809374, MONDO:0014167, OMIM 615400.

Submission:

Labcorp Genetics (formerly Invitae), Labcorp
Classification: Uncertain significance for Epilepsy, familial adult myoclonic, 5. Last evaluated: 2021-05-18. Review status: criteria provided, single submitter. Criteria: Invitae Variant Classification Sherloc (09022015). Collection method: clinical testing. Allele origin: germline.
Comment: In summary, the available evidence is currently insufficient to determine the role of this variant in disease. Therefore, it has been classified as a Variant of Uncertain Significance. Advanced modeling of protein sequence and biophysical properties (such as structural, functional, and spatial information, amino acid conservation, physicochemical variation, residue mobility, and thermodynamic stability) performed at Invitae indicates that this missense variant is not expected to disrupt CNTN2 protein function. This variant has not been reported in the literature in individuals with CNTN2-related conditions. This variant is not present in population databases (ExAC no frequency). This sequence change replaces glutamic acid with glutamine at codon 682 of the CNTN2 protein (p.Glu682Gln). The glutamic acid residue is highly conserved and there is a small physicochemical difference between glutamic acid and glutamine.

NM_005076.5(CNTN2):c.2044G>C (p.Glu682Gln)

Gene: CNTN2 (contactin 2; plus strand). Cytogenetic location: 1q32.1.
Variant type: single nucleotide variant.
Coding change: c.2044G>C on transcript NM_005076.5 (MANE Select); coding-DNA position 2044, G replaced by C.
Protein change: p.Glu682Gln; replaces glutamic acid 682 with glutamine.
Molecular consequence: missense variant. On other transcripts: non-coding transcript variant (1).
Genome position (GRCh38, 1-based): chr1:205,067,169, G>C. VCF-style: chr1-205067169-G-C. GRCh37 (hg19) VCF-style: chr1-205036297-G-C.
Other names: c.2044G>C, p.Glu682Gln (NM_001346083.2); short protein forms E682Q.
Identifiers: ClinVar variation 1507010 (VCV001507010.8), dbSNP rs2151196614, ClinGen allele CA344376868.
Genomic context (GRCh38, chr1:205,067,169, plus strand): 5'-AACATCGAGGGCAATGCCGAGACTGCACAGGTGCTGGGCCTCACCCCCTGGATGGACTAT[G>C]AGTTCCGGGTCATAGCCAGCAACATTCTGGGCACTGGGGAGCCTAGTGGGCCCTCCAGCA-3'
Protein context (NP_005067.1, residues 672-692): VLGLTPWMDY[Glu682Gln]FRVIASNILG